The following is an entry in ClinVar:

NM_000755.5(CRAT):c.1340A>G (p.Gln447Arg)

Gene: CRAT (carnitine O-acetyltransferase; minus strand). Cytogenetic location: 9q34.11.
Variant type: single nucleotide variant.
Coding change: c.1340A>G on transcript NM_000755.5 (MANE Select); coding-DNA position 1340, A replaced by G.
Protein change: p.Gln447Arg; replaces glutamine 447 with arginine.
Molecular consequence: missense variant.
Genome position (GRCh38, 1-based): chr9:129,098,137, T>C on the plus strand (A>G on the coding strand, the complement: CRAT is on the minus strand). VCF-style: chr9-129098137-T-C. GRCh37 (hg19) VCF-style: chr9-131860416-T-C.
Other names: c.1277A>G, p.Gln426Arg (NM_001257363.3, NM_001346548.2, NM_004003.4); c.1343A>G, p.Gln448Arg (NM_001346546.2); c.1340A>G, p.Gln447Arg (NM_001346547.2); c.1220A>G, p.Gln407Arg (NM_001346549.2); short protein forms Q407R, Q426R, Q447R, Q448R.
Identifiers: ClinVar variation 2814939 (VCV002814939.3), dbSNP rs1847405414, ClinGen allele CA375141090.

ClinVar aggregate classification (germline): Uncertain significance (1 of 4 stars; one submission).

Allele frequency attached by ClinVar (database versions not stated): gnomAD exomes below 0.00001; gnomAD 0.00001.
gnomAD v4.1: 3 of 1,613,700 alleles (0.00019%); highest among the groups gnomAD compares: South Asian, 0.0033%; no homozygotes.

Submission:

Labcorp Genetics (formerly Invitae), Labcorp
Classification: Uncertain significance. Last evaluated: 2022-11-29. Review status: criteria provided, single submitter. Criteria: Invitae Variant Classification Sherloc (09022015). Collection method: clinical testing. Allele origin: germline.
Comment: This variant is not present in population databases (gnomAD no frequency). This variant has not been reported in the literature in individuals affected with CRAT-related conditions. Advanced modeling of protein sequence and biophysical properties (such as structural, functional, and spatial information, amino acid conservation, physicochemical variation, residue mobility, and thermodynamic stability) performed at Invitae indicates that this missense variant is not expected to disrupt CRAT protein function. Algorithms developed to predict the effect of sequence changes on RNA splicing suggest that this variant may disrupt the consensus splice site. In summary, the available evidence is currently insufficient to determine the role of this variant in disease. Therefore, it has been classified as a Variant of Uncertain Significance. This sequence change replaces glutamine, which is neutral and polar, with arginine, which is basic and polar, at codon 447 of the CRAT protein (p.Gln447Arg).